The following is an entry in ClinVar:

NM_016239.4(MYO15A):c.659G>A (p.Arg220His)

Gene: MYO15A (myosin XVA; plus strand). Cytogenetic location: 17p11.2.
Variant type: single nucleotide variant.
Coding change: c.659G>A on transcript NM_016239.4 (MANE Select); coding-DNA position 659, G replaced by A.
Protein change: p.Arg220His; replaces arginine 220 with histidine.
Molecular consequence: missense variant.
Genome position (GRCh38, 1-based): chr17:18,119,459, G>A. VCF-style: chr17-18119459-G-A. GRCh37 (hg19) VCF-style: chr17-18022773-G-A.
Other names: short protein forms R220H.
Identifiers: ClinVar variation 1490835 (VCV001490835.8), dbSNP rs2045861037, ClinGen allele CA398574794.
Genomic context (GRCh38, chr17:18,119,459, plus strand): 5'-GCGAGCCCCTGGGCTTCCTGCCCTTCGAGGACGAGGCCCCATTCCATCACTCGGGCTCCC[G>A]CAAGTCGCTGTACGGGCTTGAGGGCTTCCAGGACCTGGGCGAGTATTATGACTATCACCG-3'
Protein context (NP_057323.3, residues 210-230): DEAPFHHSGS[Arg220His]KSLYGLEGFQ

ClinVar aggregate classification (germline): Uncertain significance (1 of 4 stars; one submission).

gnomAD v4.1: 5 of 1,612,552 alleles (0.00031%); highest among the groups gnomAD compares: East Asian, 0.0022%; no homozygotes.

Submission:

Labcorp Genetics (formerly Invitae), Labcorp
Classification: Uncertain significance. Last evaluated: 2022-02-05. Review status: criteria provided, single submitter. Criteria: Invitae Variant Classification Sherloc (09022015). Collection method: clinical testing. Allele origin: germline.
Comment: This sequence change replaces arginine, which is basic and polar, with histidine, which is basic and polar, at codon 220 of the MYO15A protein (p.Arg220His). This variant is not present in population databases (gnomAD no frequency). This variant has not been reported in the literature in individuals affected with MYO15A-related conditions. Advanced modeling of protein sequence and biophysical properties (such as structural, functional, and spatial information, amino acid conservation, physicochemical variation, residue mobility, and thermodynamic stability) performed at Invitae indicates that this missense variant is not expected to disrupt MYO15A protein function. In summary, the available evidence is currently insufficient to determine the role of this variant in disease. Therefore, it has been classified as a Variant of Uncertain Significance.